The following is an entry in ClinVar:

ClinVar aggregate classification (germline): Likely benign (1 of 4 stars; one submission).

Allele frequency attached by ClinVar (database versions not stated): gnomAD 0.00001; TOPMed 0.00002; ExAC 0.00005; gnomAD exomes 0.00005.
gnomAD v4.1: 77 of 1,613,872 alleles (0.0048%); highest among the groups gnomAD compares: Middle Eastern, 0.016%; no homozygotes.

Submission:

CeGaT Center for Human Genetics Tuebingen
Classification: Likely benign. Last evaluated: 2023-01-01. Review status: criteria provided, single submitter. Criteria: CeGaT Center For Human Genetics Tuebingen Variant Classification Criteria Version 2. Collection method: clinical testing. Allele origin: germline. Affected: yes. Observed: 1 variant allele.
Comment: FAT3: BP4, BP7

NM_001367949.2(FAT3):c.11388C>T (p.Asn3796=)

Gene: FAT3 (FAT atypical cadherin 3; plus strand). Cytogenetic location: 11q14.3.
Variant type: single nucleotide variant.
Coding change: c.11388C>T on transcript NM_001367949.2 (MANE Select); coding-DNA position 11388, C replaced by T.
Protein change: p.Asn3796=; no amino-acid change (asparagine 3796 retained).
Molecular consequence: synonymous variant.
Genome position (GRCh38, 1-based): chr11:92,857,236, C>T. VCF-style: chr11-92857236-C-T. GRCh37 (hg19) VCF-style: chr11-92590402-C-T.
Other names: c.11388C>T, p.Asn3796= (NM_001008781.3).
Identifiers: ClinVar variation 2642284 (VCV002642284.24), dbSNP rs534559087, ClinGen allele CA6228331.